The following is an entry in ClinVar:

NM_007126.5(VCP):c.268A>G (p.Asn90Asp)

Gene: VCP (valosin containing protein; minus strand). Cytogenetic location: 9p13.3.
Variant type: single nucleotide variant.
Coding change: c.268A>G on transcript NM_007126.5 (MANE Select); coding-DNA position 268, A replaced by G.
Protein change: p.Asn90Asp; replaces asparagine 90 with aspartic acid.
Molecular consequence: missense variant.
Genome position (GRCh38, 1-based): chr9:35,067,925, T>C on the plus strand (A>G on the coding strand, the complement: VCP is on the minus strand). VCF-style: chr9-35067925-T-C. GRCh37 (hg19) VCF-style: chr9-35067922-T-C.
Other names: c.133A>G, p.Asn45Asp (NM_001354927.2, NM_001354928.2); short protein forms N45D, N90D.
Identifiers: ClinVar variation 1024805 (VCV001024805.7), dbSNP rs1828865209, ClinGen allele CA373293547.
Genomic context (GRCh38, chr9:35,067,925, plus strand): 5'-TGTGAAGCCAAAAACCCCACACACACCTGATGACATCCCCTAGGCGTACACGAAGGTTAT[T>C]CCGAACAACTCTATTCATCCGAATCTTCTCATCAGAACAAGTATCATCAGAAAGGACGAT-3'
Protein context (NP_009057.1, residues 80-100): EKIRMNRVVR[Asn90Asp]NLRVRLGDVI

ClinVar aggregate classification (germline): Uncertain significance (1 of 4 stars; one submission).

Conditions:
Frontotemporal dementia and/or amyotrophic lateral sclerosis 6 (FTDALS6). Also called: VCP-Related Amyotrophic Lateral Sclerosis/Frontotemporal Dementia; VCP-Related Amyotrophic Lateral Sclerosis. Identifiers: Orphanet 275872, Orphanet 803, MedGen C5436279, MONDO:0013501, OMIM 613954.
Inclusion body myopathy with Paget disease of bone and frontotemporal dementia. Also called: Inclusion body myopathy with early-onset Paget disease and frontotemporal dementia. Identifiers: Orphanet 52430, MedGen C1833662, MONDO:0000507.

Submission:

Labcorp Genetics (formerly Invitae), Labcorp
Classification: Uncertain significance for Inclusion body myopathy with Paget disease of bone and frontotemporal dementia; Frontotemporal dementia and/or amyotrophic lateral sclerosis 6. Last evaluated: 2020-08-19. Review status: criteria provided, single submitter. Criteria: Invitae Variant Classification Sherloc (09022015). Collection method: clinical testing. Allele origin: germline.
Comment: In summary, the available evidence is currently insufficient to determine the role of this variant in disease. Therefore, it has been classified as a Variant of Uncertain Significance. Advanced modeling of protein sequence and biophysical properties (such as structural, functional, and spatial information, amino acid conservation, physicochemical variation, residue mobility, and thermodynamic stability) performed at Invitae indicates that this missense variant is not expected to disrupt VCP protein function. This variant has been observed in individual(s) with clinical features of amyotrophic lateral sclerosis (Invitae). This variant is not present in population databases (ExAC no frequency). This sequence change replaces asparagine with aspartic acid at codon 90 of the VCP protein (p.Asn90Asp). The asparagine residue is highly conserved and there is a small physicochemical difference between asparagine and aspartic acid.